The following is an entry in ClinVar:

NM_001457.4(FLNB):c.3643C>T (p.His1215Tyr)

Gene: FLNB (filamin B; plus strand). Cytogenetic location: 3p14.3.
Variant type: single nucleotide variant.
Coding change: c.3643C>T on transcript NM_001457.4 (MANE Select); coding-DNA position 3643, C replaced by T.
Protein change: p.His1215Tyr; replaces histidine 1215 with tyrosine.
Molecular consequence: missense variant.
Genome position (GRCh38, 1-based): chr3:58,123,609, C>T. VCF-style: chr3-58123609-C-T. GRCh37 (hg19) VCF-style: chr3-58109336-C-T.
Other names: c.3643C>T (NM_001457.3); c.3643C>T, p.His1215Tyr (NM_001164317.2, NM_001164318.2, NM_001164319.2); short protein forms H1215Y.
Identifiers: ClinVar variation 2077732 (VCV002077732.5), dbSNP rs1054755870, ClinGen allele CA75447796.

ClinVar aggregate classification (germline): Uncertain significance. Review status: criteria provided, multiple submitters, no conflicts (2 of 4 stars). 2 submissions from 2 submitters: Uncertain significance (2). Last evaluated 2024-12-30.

Conditions:
Inborn genetic diseases. Identifiers: MedGen C0950123, MeSH D030342.

Allele frequency attached by ClinVar (database versions not stated): TOPMed 0.00003; gnomAD 0.00003; gnomAD exomes 0.00005.
gnomAD v4.1: 81 of 1,612,020 alleles (0.005%); highest among the groups gnomAD compares: Non-Finnish European, 0.0068%; no homozygotes.

Submissions (2):

Labcorp Genetics (formerly Invitae), Labcorp
Classification: Uncertain significance. Last evaluated: 2024-12-30. Review status: criteria provided, single submitter. Criteria: Invitae Variant Classification Sherloc (09022015). Collection method: clinical testing. Allele origin: germline.
Comment: This sequence change replaces histidine, which is basic and polar, with tyrosine, which is neutral and polar, at codon 1215 of the FLNB protein (p.His1215Tyr). This variant is present in population databases (no rsID available, gnomAD 0.002%). This variant has not been reported in the literature in individuals affected with FLNB-related conditions. ClinVar contains an entry for this variant (Variation ID: 2077732). Invitae Evidence Modeling of protein sequence and biophysical properties (such as structural, functional, and spatial information, amino acid conservation, physicochemical variation, residue mobility, and thermodynamic stability) indicates that this missense variant is not expected to disrupt FLNB protein function with a negative predictive value of 95%. In summary, the available evidence is currently insufficient to determine the role of this variant in disease. Therefore, it has been classified as a Variant of Uncertain Significance.

Ambry Genetics
Classification: Uncertain significance for Inborn genetic diseases. Last evaluated: 2024-04-29. Review status: criteria provided, single submitter. Criteria: Ambry Variant Classification Scheme 2023. Collection method: clinical testing. Allele origin: germline.